The following is an entry in ClinVar:

ClinVar aggregate classification (germline): Uncertain significance (1 of 4 stars; one submission).

Allele frequency attached by ClinVar (database versions not stated): gnomAD exomes below 0.00001.
gnomAD v4.1: 1 of 1,593,564 alleles (0.000063%); highest among the groups gnomAD compares: Non-Finnish European, 0.000086%; no homozygotes.

Submission:

GeneDx
Classification: Uncertain significance. Last evaluated: 2023-01-10. Review status: criteria provided, single submitter. Criteria: GeneDx Variant Classification Process June 2021. Collection method: clinical testing. Allele origin: germline. Affected: yes.
Comment: Not observed at significant frequency in large population cohorts (gnomAD); In silico analysis supports that this missense variant has a deleterious effect on protein structure/function; Has not been previously published as pathogenic or benign to our knowledge

NM_031263.4(HNRNPK):c.1172A>G (p.Gln391Arg)

Gene: HNRNPK (heterogeneous nuclear ribonucleoprotein K; minus strand). Cytogenetic location: 9q21.32.
Variant type: single nucleotide variant.
Coding change: c.1172A>G on transcript NM_031263.4 (MANE Select); coding-DNA position 1172, A replaced by G.
Protein change: p.Gln391Arg; replaces glutamine 391 with arginine.
Molecular consequence: missense variant.
Genome position (GRCh38, 1-based): chr9:83,970,756, T>C on the plus strand (A>G on the coding strand, the complement: HNRNPK is on the minus strand). VCF-style: chr9-83970756-T-C. GRCh37 (hg19) VCF-style: chr9-86585671-T-C.
Other names: c.1100A>G, p.Gln367Arg (NM_001318186.2, NM_001318187.2); c.1172A>G, p.Gln391Arg (NM_001318188.2, NM_002140.5, NM_031262.4); short protein forms Q367R, Q391R.
Identifiers: ClinVar variation 2571743 (VCV002571743.1), dbSNP rs2491956754, ClinGen allele CA373920128.